The following is an entry in ClinVar:

ClinVar aggregate classification (germline): Conflicting classifications of pathogenicity. Review status: criteria provided, conflicting classifications (1 of 4 stars). 9 submissions from 6 submitters: Uncertain significance (1); Benign (5); Likely benign (2). 1 of the submissions does not count toward it. Last evaluated 2026-02-03.

Conditions:
PROM1-related disorder. Also called: PROM1-related condition; PROM1-related disorders.
Cone-rod dystrophy 12 (CORD12). Identifiers: Orphanet 1872, MedGen C2675210, MONDO:0012983, OMIM 612657.
Stargardt disease 4 (STGD4). Identifiers: Orphanet 827, MedGen C1863534, MONDO:0011370, OMIM 603786.
Retinal macular dystrophy type 2 (MCDR2). Also called: Bull's eye macular dystrophy. Identifiers: Orphanet 319640, MedGen C4749334, MONDO:0011957, OMIM 608051.
Retinitis pigmentosa (RP). Identifiers: Orphanet 791, MedGen C0035334, MeSH D012174, MONDO:0019200, OMIM 268000. Inheritance: Autosomal dominant, autosomal recessive and X linked inheritance.
Retinal dystrophy. Also called: Inherited retinal dystrophy. Identifiers: Orphanet 71862, MedGen C0854723, MeSH D058499, MONDO:0019118, HP:0000556.

Allele frequency attached by ClinVar (database versions not stated): gnomAD exomes 0.00069 and 0.00272; ESP Exome Variant Server 0.00079; gnomAD 0.00128 and 0.00137; TOPMed 0.00178; ExAC 0.00256; 1000 Genomes Project 0.00419; 1000 Genomes Project 30x 0.00422.
gnomAD v4.1: 1,342 of 1,613,698 alleles (0.083%); highest among the groups gnomAD compares: East Asian, 1.6%; 14 homozygotes.

Submissions (9):

Labcorp Genetics (formerly Invitae), Labcorp
Classification: Benign. Last evaluated: 2026-02-03. Review status: criteria provided, single submitter. Criteria: Invitae Variant Classification Sherloc (09022015). Collection method: clinical testing. Allele origin: germline.

Blueprint Genetics
Classification: Likely benign. Last evaluated: 2024-11-26. Review status: criteria provided, single submitter. Criteria: ACMG Guidelines, 2015. Collection method: clinical testing. Allele origin: germline.

Dept Of Ophthalmology, Nagoya University
Classification: Benign for Retinal dystrophy. Last evaluated: 2023-10-01. Review status: criteria provided, single submitter. Criteria: Submitter's publication. Collection method: research. Allele origin: germline. Affected: yes.

Illumina Laboratory Services, Illumina
Classification: Benign for Cone-rod dystrophy 12. Last evaluated: 2018-01-13. Review status: criteria provided, single submitter. Criteria: ICSL Variant Classification Criteria 13 December 2019. Collection method: clinical testing. Allele origin: germline.
Comment: This variant was observed in the ICSL laboratory as part of a predisposition screen in an ostensibly healthy population. It had not been previously curated by ICSL or reported in the Human Gene Mutation Database (HGMD: prior to June 1st, 2018), and was therefore a candidate for classification through an automated scoring system. Utilizing variant allele frequency, disease prevalence and penetrance estimates, and inheritance mode, an automated score was calculated to assess if this variant is too frequent to cause the disease. Based on the score and internal cut-off values, a variant classified as benign is not then subjected to further curation. The score for this variant resulted in a classification of benign for this disease.

Illumina Laboratory Services, Illumina
Classification: Benign for Stargardt disease 4. Last evaluated: 2018-01-13. Review status: criteria provided, single submitter. Criteria: ICSL Variant Classification Criteria 13 December 2019. Collection method: clinical testing. Allele origin: germline.
Comment: the same text as in the submission from Illumina Laboratory Services, Illumina above.

Illumina Laboratory Services, Illumina
Classification: Uncertain significance for Retinitis pigmentosa. Last evaluated: 2018-01-13. Review status: criteria provided, single submitter. Criteria: ICSL Variant Classification Criteria 13 December 2019. Collection method: clinical testing. Allele origin: germline.

Illumina Laboratory Services, Illumina
Classification: Likely benign for Retinal macular dystrophy type 2. Last evaluated: 2018-01-13. Review status: criteria provided, single submitter. Criteria: ICSL Variant Classification Criteria 13 December 2019. Collection method: clinical testing. Allele origin: germline.
Comment: This variant was observed in the ICSL laboratory as part of a predisposition screen in an ostensibly healthy population. It had not been previously curated by ICSL or reported in the Human Gene Mutation Database (HGMD: prior to June 1st, 2018), and was therefore a candidate for classification through an automated scoring system. Utilizing variant allele frequency, disease prevalence and penetrance estimates, and inheritance mode, an automated score was calculated to assess if this variant is too frequent to cause the disease. Based on the score and internal cut-off values, a variant classified as likely benign is not then subjected to further curation. The score for this variant resulted in a classification of likely benign for this disease.

Eurofins Ntd Llc (ga)
Classification: Benign. Last evaluated: 2016-08-08. Review status: criteria provided, single submitter. Criteria: EGL Classification Definitions 2015. Collection method: clinical testing. Allele origin: germline. Observed: 1 variant allele, 1 heterozygote.

PreventionGenetics, part of Exact Sciences
Classification: Benign for PROM1-related condition. Last evaluated: 2019-06-03. Review status: no assertion criteria provided. Collection method: clinical testing. Allele origin: germline. Not counted in ClinVar's aggregate classification.
Comment: This variant is classified as benign based on ACMG/AMP sequence variant interpretation guidelines (Richards et al. 2015 PMID: 25741868, with internal and published modifications).

NM_006017.3(PROM1):c.868A>C (p.Ser290Arg)

Gene: PROM1 (prominin 1; minus strand). Cytogenetic location: 4p15.32.
Variant type: single nucleotide variant.
Coding change: c.868A>C on transcript NM_006017.3 (MANE Select); coding-DNA position 868, A replaced by C.
Protein change: p.Ser290Arg; replaces serine 290 with arginine.
Molecular consequence: missense variant.
Genome position (GRCh38, 1-based): chr4:16,018,457, T>G on the plus strand (A>C on the coding strand, the complement: PROM1 is on the minus strand). VCF-style: chr4-16018457-T-G. GRCh37 (hg19) VCF-style: chr4-16020080-T-G.
Other names: c.841A>C, p.Ser281Arg (NM_001145847.2, NM_001145848.2, NM_001145851.2 and 4 more transcripts); c.868A>C, p.Ser290Arg (NM_001145849.2, NM_001145850.2); short protein forms S290R, S281R.
Identifiers: ClinVar variation 289314 (VCV000289314.23), dbSNP rs182096110, ClinGen allele CA2866931.